The following is an entry in ClinVar:

ClinVar aggregate classification (germline): Pathogenic/Likely pathogenic. Review status: criteria provided, multiple submitters, no conflicts (2 of 4 stars). 2 submissions from 2 submitters: Pathogenic (1); Likely pathogenic (1). Last evaluated 2024-03-30.

Conditions:
Neuronal ceroid lipofuscinosis. Also called: Neuronal Ceroid Lipofuscinoses. Identifiers: Orphanet 216, Orphanet 79263, MedGen C0027877, MONDO:0016295. Disease mechanism: loss of function.
Neuronal ceroid lipofuscinosis 3 (CLN3). Identifiers: Orphanet 228346, MedGen C0751383, MONDO:0008767, OMIM 204200.

Submissions (2):

Baylor Genetics
Classification: Likely pathogenic for Neuronal ceroid lipofuscinosis 3. Last evaluated: 2024-03-30. Review status: criteria provided, single submitter. Criteria: ACMG Guidelines, 2015. Collection method: clinical testing. Allele origin: unknown.

Labcorp Genetics (formerly Invitae), Labcorp
Classification: Pathogenic for Neuronal ceroid lipofuscinosis. Last evaluated: 2022-03-18. Review status: criteria provided, single submitter. Criteria: Invitae Variant Classification Sherloc (09022015). Collection method: clinical testing. Allele origin: germline.
Comment: This sequence change replaces glycine, which is neutral and non-polar, with arginine, which is basic and polar, at codon 189 of the CLN3 protein (p.Gly189Arg). This variant is not present in population databases (gnomAD no frequency). This missense change has been observed in individual(s) with clinical features of CLN3-related disease (PMID: 21990111, 24154662; Invitae). In at least one individual the data is consistent with being in trans (on the opposite chromosome) from a pathogenic variant. ClinVar contains an entry for this variant (Variation ID: 650372). Algorithms developed to predict the effect of missense changes on protein structure and function (SIFT, PolyPhen-2, Align-GVGD) all suggest that this variant is likely to be disruptive. This variant disrupts the p.Gly189 amino acid residue in CLN3. Other variant(s) that disrupt this residue have been observed in individuals with CLN3-related conditions (external communication), which suggests that this may be a clinically significant amino acid residue. For these reasons, this variant has been classified as Pathogenic.

Literature cited by the submitters: PubMed 21990111 (cited by Labcorp Genetics (formerly Invitae), Labcorp); PubMed 24154662 (cited by Labcorp Genetics (formerly Invitae), Labcorp).

NM_001042432.2(CLN3):c.565G>A (p.Gly189Arg)

Gene: CLN3 (CLN3 lysosomal/endosomal transmembrane protein, battenin; minus strand). Cytogenetic location: 16p12.1.
Variant type: single nucleotide variant.
Coding change: c.565G>A on transcript NM_001042432.2 (MANE Select); coding-DNA position 565, G replaced by A.
Protein change: p.Gly189Arg; replaces glycine 189 with arginine.
Molecular consequence: missense variant.
Genome position (GRCh38, 1-based): chr16:28,486,459, C>T on the plus strand (G>A on the coding strand, the complement: CLN3 is on the minus strand). VCF-style: chr16-28486459-C-T. GRCh37 (hg19) VCF-style: chr16-28497780-C-T.
Other names: c.565G>A, p.Gly189Arg (NM_000086.2); c.493G>A, p.Gly165Arg (NM_001286104.2); c.265G>A, p.Gly89Arg (NM_001286105.2); c.331G>A, p.Gly111Arg (NM_001286109.2); c.403G>A, p.Gly135Arg (NM_001286110.2); short protein forms G111R, G135R, G189R, G165R, G89R.
Identifiers: ClinVar variation 650372 (VCV000650372.11), dbSNP rs386833731, ClinGen allele CA395345438.